The following is an entry in ClinVar:

ClinVar aggregate classification (germline): Uncertain significance (1 of 4 stars; one submission).

Submission:

GeneDx
Classification: Uncertain significance. Last evaluated: 2024-10-31. Review status: criteria provided, single submitter. Criteria: GeneDx Variant Classification Process June 2021. Collection method: clinical testing. Allele origin: germline. Affected: yes.
Comment: Not observed at significant frequency in large population cohorts (gnomAD); In silico analysis supports that this missense variant has a deleterious effect on protein structure/function; Has not been previously published as pathogenic or benign to our knowledge

NM_003611.3(OFD1):c.205C>T (p.Leu69Phe)

Gene: OFD1 (OFD1 centriole and centriolar satellite protein; plus strand). Cytogenetic location: Xp22.2.
Variant type: single nucleotide variant.
Coding change: c.205C>T on transcript NM_003611.3 (MANE Select); coding-DNA position 205, C replaced by T.
Protein change: p.Leu69Phe; replaces leucine 69 with phenylalanine.
Molecular consequence: missense variant. On other transcripts: 5 prime UTR variant (1).
Genome position (GRCh38, 1-based): chrX:13,736,571, C>T. VCF-style: chrX-13736571-C-T. GRCh37 (hg19) VCF-style: chrX-13754690-C-T.
Other names: c.205C>T, p.Leu69Phe (NM_001330209.2); c.-341C>T (NM_001330210.2); short protein forms L69F.
Identifiers: ClinVar variation 3897426 (VCV003897426.1).